The following is an entry in ClinVar:

NM_170784.3(MKKS):c.1088T>C (p.Leu363Pro)

Gene: MKKS (MKKS centrosomal shuttling protein; minus strand). Cytogenetic location: 20p12.2.
Variant type: single nucleotide variant.
Coding change: c.1088T>C on transcript NM_170784.3 (MANE Select); coding-DNA position 1088, T replaced by C.
Protein change: p.Leu363Pro; replaces leucine 363 with proline.
Molecular consequence: missense variant. On other transcripts: non-coding transcript variant (1).
Genome position (GRCh38, 1-based): chr20:10,408,701, A>G on the plus strand (T>C on the coding strand, the complement: MKKS is on the minus strand). VCF-style: chr20-10408701-A-G. GRCh37 (hg19) VCF-style: chr20-10389349-A-G.
Other names: c.1088T>C, p.Leu363Pro (NM_018848.3); short protein forms L363P.
Identifiers: ClinVar variation 970810 (VCV000970810.8), dbSNP rs2064859899, ClinGen allele CA408231688.

ClinVar aggregate classification (germline): Uncertain significance. Review status: criteria provided, multiple submitters, no conflicts (2 of 4 stars). 2 submissions from 2 submitters: Uncertain significance (2). Last evaluated 2022-02-04.

Conditions:
McKusick-Kaufman syndrome (MKKS). Also called: HYDROMETROCOLPOS SYNDROME; HYDROMETROCOLPOS, POSTAXIAL POLYDACTYLY, AND CONGENITAL HEART MALFORMATION. Identifiers: Orphanet 2473, MedGen C0948368, MONDO:0009367, OMIM 236700.
Bardet-Biedl syndrome (BBS). Identifiers: Orphanet 110, MedGen C0752166, MONDO:0015229.

Submissions (2):

Labcorp Genetics (formerly Invitae), Labcorp
Classification: Uncertain significance for McKusick-Kaufman syndrome; Bardet-Biedl syndrome. Last evaluated: 2022-02-04. Review status: criteria provided, single submitter. Criteria: Invitae Variant Classification Sherloc (09022015). Collection method: clinical testing. Allele origin: germline.
Comment: This sequence change replaces leucine, which is neutral and non-polar, with proline, which is neutral and non-polar, at codon 363 of the MKKS protein (p.Leu363Pro). This variant is not present in population databases (gnomAD no frequency). This variant has not been reported in the literature in individuals affected with MKKS-related conditions. ClinVar contains an entry for this variant (Variation ID: 970810). Algorithms developed to predict the effect of missense changes on protein structure and function (SIFT, PolyPhen-2, Align-GVGD) all suggest that this variant is likely to be disruptive. In summary, the available evidence is currently insufficient to determine the role of this variant in disease. Therefore, it has been classified as a Variant of Uncertain Significance.

Blueprint Genetics
Classification: Uncertain significance. Last evaluated: 2021-04-29. Review status: criteria provided, single submitter. Criteria: ACMG Guidelines, 2015. Collection method: clinical testing. Allele origin: germline.